The following is an entry in ClinVar:

ClinVar aggregate classification (germline): Uncertain significance (1 of 4 stars; one submission).

gnomAD v4.1: 1 of 1,560,788 alleles (0.000064%); highest among the groups gnomAD compares: Non-Finnish European, 0.000087%; no homozygotes.

Submission:

Labcorp Genetics (formerly Invitae), Labcorp
Classification: Uncertain significance. Last evaluated: 2025-12-19. Review status: criteria provided, single submitter. Criteria: Invitae Variant Classification Sherloc (09022015). Collection method: clinical testing. Allele origin: germline.
Comment: This sequence change replaces histidine, which is basic and polar, with glutamine, which is neutral and polar, at codon 1591 of the DCHS1 protein (p.His1591Gln). This variant is not present in population databases (gnomAD no frequency). This variant has not been reported in the literature in individuals affected with DCHS1-related conditions. Invitae Evidence Modeling of protein sequence and biophysical properties (such as structural, functional, and spatial information, amino acid conservation, physicochemical variation, residue mobility, and thermodynamic stability) indicates that this missense variant is not expected to disrupt DCHS1 protein function with a negative predictive value of 80%. In summary, the available evidence is currently insufficient to determine the role of this variant in disease. Therefore, it has been classified as a Variant of Uncertain Significance.

NM_003737.4(DCHS1):c.4773C>G (p.His1591Gln)

Gene: DCHS1 (dachsous cadherin-related 1; minus strand). Cytogenetic location: 11p15.4.
Variant type: single nucleotide variant.
Coding change: c.4773C>G on transcript NM_003737.4 (MANE Select); coding-DNA position 4773, C replaced by G.
Protein change: p.His1591Gln; replaces histidine 1591 with glutamine.
Molecular consequence: missense variant.
Genome position (GRCh38, 1-based): chr11:6,630,021, G>C on the plus strand (C>G on the coding strand, the complement: DCHS1 is on the minus strand). VCF-style: chr11-6630021-G-C. GRCh37 (hg19) VCF-style: chr11-6651252-G-C.
Other names: short protein forms H1591Q.
Identifiers: ClinVar variation 4698397 (VCV004698397.1).